The following is an entry in ClinVar:

NM_005121.3(MED13):c.499T>G (p.Phe167Val)

Gene: MED13 (mediator complex subunit 13; minus strand). Cytogenetic location: 17q23.2.
Variant type: single nucleotide variant.
Coding change: c.499T>G on transcript NM_005121.3 (MANE Select); coding-DNA position 499, T replaced by G.
Protein change: p.Phe167Val; replaces phenylalanine 167 with valine.
Molecular consequence: missense variant.
Genome position (GRCh38, 1-based): chr17:62,035,580, A>C on the plus strand (T>G on the coding strand, the complement: MED13 is on the minus strand). VCF-style: chr17-62035580-A-C. GRCh37 (hg19) VCF-style: chr17-60112941-A-C.
Other names: short protein forms F167V.
Identifiers: ClinVar variation 4536488 (VCV004536488.1).

ClinVar aggregate classification (germline): Uncertain significance (1 of 4 stars; one submission).

gnomAD v4.1: 1 of 1,613,768 alleles (0.000062%); highest among the groups gnomAD compares: Non-Finnish European, 0.000085%; no homozygotes.

Submission:

GeneDx
Classification: Uncertain significance. Last evaluated: 2025-06-02. Review status: criteria provided, single submitter. Criteria: GeneDx Variant Classification Process June 2021. Collection method: clinical testing. Allele origin: germline. Affected: yes.
Comment: Not observed at significant frequency in large population cohorts (gnomAD); In silico analysis supports that this missense variant has a deleterious effect on protein structure/function; Has not been previously published as pathogenic or benign to our knowledge